The following is an entry in ClinVar:

NM_001363118.2(SLC52A2):c.1209G>A (p.Pro403=)

Gene: SLC52A2 (solute carrier family 52 member 2; plus strand). Cytogenetic location: 8q24.3.
Variant type: single nucleotide variant.
Coding change: c.1209G>A on transcript NM_001363118.2 (MANE Select); coding-DNA position 1209, G replaced by A.
Protein change: p.Pro403=; no amino-acid change (proline 403 retained).
Molecular consequence: synonymous variant. On other transcripts: non-coding transcript variant (1).
Genome position (GRCh38, 1-based): chr8:144,360,886, G>A. VCF-style: chr8-144360886-G-A. GRCh37 (hg19) VCF-style: chr8-145584546-G-A.
Other names: c.1209G>A, p.Pro403= (NM_001253815.2, NM_001253816.2, NM_001363120.2 and 2 more transcripts); c.717G>A, p.Pro239= (NM_001363122.2).
Identifiers: ClinVar variation 511228 (VCV000511228.19), dbSNP rs374612342, ClinGen allele CA4938436.
Genomic context (GRCh38, chr8:144,360,886, plus strand): 5'-TGGCGTGTTCTCCTACGTGAAGGTGGCAGCCAGCTCCCTGCTGCATGGCGGGGGCCGGCC[G>A]GCATTGCTGGCAGCCGGCGTGGCCATCCAGGTGGGCTCTCTGCTCGGCGCTGTTGCTATG-3'
Protein context (NP_001350047.1, residues 393-413): ASSLLHGGGR[Pro403=]ALLAAGVAIQ

ClinVar aggregate classification (germline): Likely benign. Review status: criteria provided, multiple submitters, no conflicts (2 of 4 stars). 5 submissions from 5 submitters: Likely benign (5). Last evaluated 2025-06-11.

Conditions:
Inborn genetic diseases. Identifiers: MedGen C0950123, MeSH D030342.
Brown-Vialetto-van Laere syndrome 2. Also called: Riboflavin transporter deficiency type 2; SPINOCEREBELLAR ATAXIA WITH BLINDNESS AND DEAFNESS 2. Identifiers: Orphanet 572543, Orphanet 97229, MedGen C3553538, MONDO:0013867, OMIM 614707.

Allele frequency attached by ClinVar (database versions not stated): TOPMed 0.00018; gnomAD exomes 0.00010; 1000 Genomes Project 30x 0.00016; ESP Exome Variant Server 0.00008; ExAC 0.00008; gnomAD 0.00011; 1000 Genomes Project 0.00020.

Submissions (5):

Labcorp Genetics (formerly Invitae), Labcorp
Classification: Likely benign for Brown-Vialetto-van Laere syndrome 2. Last evaluated: 2025-06-11. Review status: criteria provided, single submitter. Criteria: Invitae Variant Classification Sherloc (09022015). Collection method: clinical testing. Allele origin: germline.

Ambry Genetics
Classification: Likely benign for Inborn genetic diseases. Last evaluated: 2019-07-11. Review status: criteria provided, single submitter. Criteria: Ambry Variant Classification Scheme 2023. Collection method: clinical testing. Allele origin: germline.

GeneDx
Classification: Likely benign. Last evaluated: 2018-08-22. Review status: criteria provided, single submitter. Criteria: GeneDx Variant Classification Process June 2021. Collection method: clinical testing. Allele origin: germline. Affected: yes.

Laboratory for Molecular Medicine, Mass General Brigham Personalized Medicine
Classification: Likely benign. Last evaluated: 2017-08-23. Review status: criteria provided, single submitter. Criteria: LMM Criteria. Collection method: clinical testing. Allele origin: germline. Observed: 1 variant allele.
Comment: p.Pro403Pro in exon 5 of SLC52A2: This variant is not expected to have clinical significance because it does not alter an amino acid residue and is not located within the splice consensus sequence. It has been identified in 0.01% (5/65624) of European chromosomes by the Exome Aggregation Consortium (ExAC; dbSNP rs374612342).

Breakthrough Genomics
Classification: Likely benign. Review status: criteria provided, single submitter. Criteria: ACMG Guidelines, 2015. Collection method: not provided. Allele origin: germline. Inheritance: Autosomal recessive inheritance. Affected: yes.